The following is an entry in ClinVar:

ClinVar aggregate classification (germline): Uncertain significance. Review status: criteria provided, multiple submitters, no conflicts (2 of 4 stars). 2 submissions from 2 submitters: Uncertain significance (2). Last evaluated 2021-09-24.

Conditions:
Bardet-Biedl syndrome (BBS). Identifiers: Orphanet 110, MedGen C0752166, MONDO:0015229.
McKusick-Kaufman syndrome (MKKS). Also called: HYDROMETROCOLPOS SYNDROME; HYDROMETROCOLPOS, POSTAXIAL POLYDACTYLY, AND CONGENITAL HEART MALFORMATION. Identifiers: Orphanet 2473, MedGen C0948368, MONDO:0009367, OMIM 236700.

gnomAD v4.1: 2 of 1,613,932 alleles (0.00012%); highest among the groups gnomAD compares: Non-Finnish European, 0.00017%; no homozygotes.

Submissions (2):

Labcorp Genetics (formerly Invitae), Labcorp
Classification: Uncertain significance for McKusick-Kaufman syndrome; Bardet-Biedl syndrome. Last evaluated: 2021-09-24. Review status: criteria provided, single submitter. Criteria: Invitae Variant Classification Sherloc (09022015). Collection method: clinical testing. Allele origin: germline.
Comment: This sequence change replaces histidine with asparagine at codon 308 of the MKKS protein (p.His308Asn). The histidine residue is moderately conserved and there is a small physicochemical difference between histidine and asparagine. This variant is not present in population databases (ExAC no frequency). This variant has not been reported in the literature in individuals with MKKS-related conditions. ClinVar contains an entry for this variant (Variation ID: 809225). Algorithms developed to predict the effect of missense changes on protein structure and function (SIFT, PolyPhen-2, Align-GVGD) all suggest that this variant is likely to be tolerated, but these predictions have not been confirmed by published functional studies and their clinical significance is uncertain. In summary, the available evidence is currently insufficient to determine the role of this variant in disease. Therefore, it has been classified as a Variant of Uncertain Significance.

CeGaT Center for Human Genetics Tuebingen
Classification: Uncertain significance. Last evaluated: 2017-06-01. Review status: criteria provided, single submitter. Criteria: CeGaT Center For Human Genetics Tuebingen Variant Classification Criteria Version 2. Collection method: clinical testing. Allele origin: germline. Affected: yes. Observed: 1 variant allele.

NM_170784.3(MKKS):c.922C>A (p.His308Asn)

Gene: MKKS (MKKS centrosomal shuttling protein; minus strand). Cytogenetic location: 20p12.2.
Variant type: single nucleotide variant.
Coding change: c.922C>A on transcript NM_170784.3 (MANE Select); coding-DNA position 922, C replaced by A.
Protein change: p.His308Asn; replaces histidine 308 with asparagine.
Molecular consequence: missense variant.
Genome position (GRCh38, 1-based): chr20:10,412,593, G>T on the plus strand (C>A on the coding strand, the complement: MKKS is on the minus strand). VCF-style: chr20-10412593-G-T. GRCh37 (hg19) VCF-style: chr20-10393241-G-T.
Other names: c.922C>A, p.His308Asn (NM_018848.3); short protein forms H308N.
Identifiers: ClinVar variation 809225 (VCV000809225.45), dbSNP rs1600848359, ClinGen allele CA408232059.